The following is an entry in ClinVar:

ClinVar aggregate classification (germline): Uncertain significance (1 of 4 stars; one submission).

Allele frequency attached by ClinVar (database versions not stated): ExAC 0.00001.

Submission:

Labcorp Genetics (formerly Invitae), Labcorp
Classification: Uncertain significance. Last evaluated: 2022-07-03. Review status: criteria provided, single submitter. Criteria: Invitae Variant Classification Sherloc (09022015). Collection method: clinical testing. Allele origin: germline.
Comment: Algorithms developed to predict the effect of missense changes on protein structure and function are either unavailable or do not agree on the potential impact of this missense change (SIFT: "Deleterious"; PolyPhen-2: "Benign"; Align-GVGD: "Class C0"). In summary, the available evidence is currently insufficient to determine the role of this variant in disease. Therefore, it has been classified as a Variant of Uncertain Significance. This variant has not been reported in the literature in individuals affected with NAF1-related conditions. This variant is present in population databases (rs771962783, gnomAD 0.001%). This sequence change replaces proline, which is neutral and non-polar, with leucine, which is neutral and non-polar, at codon 481 of the NAF1 protein (p.Pro481Leu).

NM_138386.3(NAF1):c.1442C>T (p.Pro481Leu)

Gene: NAF1 (nuclear assembly factor 1 ribonucleoprotein; minus strand). Cytogenetic location: 4q32.2.
Variant type: single nucleotide variant.
Coding change: c.1442C>T on transcript NM_138386.3 (MANE Select); coding-DNA position 1442, C replaced by T.
Protein change: p.Pro481Leu; replaces proline 481 with leucine.
Molecular consequence: missense variant. On other transcripts: intron variant (1).
Genome position (GRCh38, 1-based): chr4:163,128,940, G>A on the plus strand (C>T on the coding strand, the complement: NAF1 is on the minus strand). VCF-style: chr4-163128940-G-A. GRCh37 (hg19) VCF-style: chr4-164050092-G-A.
Other names: c.1034-1825C>T (NM_001128931.2); short protein forms P481L.
Identifiers: ClinVar variation 2098256 (VCV002098256.4), dbSNP rs771962783, ClinGen allele CA3126094.
Genomic context (GRCh38, chr4:163,128,940, plus strand): 5'-TGGAAATGCATAGTCACCTAATAGTAAGGTCCAAAATGAGAATTACTATCTCCAGAAGAG[G>A]GTGGAGGAGGCAGTGGTGGAGGGGGAGGGGGTGGGGGTAGGGAGTATGGTAAGTTAAGTA-3'
Protein context (NP_612395.2, residues 471-491): PPPPPPLPPP[Pro481Leu]SSGDSNSHFG